The following is an entry in ClinVar:

NM_001130009.3(GEN1):c.2681del (p.Pro894fs)

Gene: GEN1 (GEN1 structure-specific endonuclease; plus strand). Cytogenetic location: 2p24.2.
Variant type: Deletion.
Coding change: c.2681del on transcript NM_001130009.3 (MANE Select); coding-DNA position 2681, one base deleted (C; older notation c.2681delC).
Protein change: p.Pro894fs; shifts the reading frame from proline 894.
Molecular consequence: frameshift variant.
Genome position (GRCh38, 1-based): chr2:17,781,893, C deleted; the last of 3 consecutive C bases (chr2:17,781,891-17,781,893); deleting any one gives the same sequence. VCF-style (leftmost placement, unchanged base first): chr2-17781890-GC-G. GRCh37 (hg19) VCF-style: chr2-17963157-GC-G.
Other names: c.2681del, p.Pro894fs (NM_182625.5); short protein forms P894fs.
Identifiers: ClinVar variation 3658266 (VCV003658266.2).

ClinVar aggregate classification (germline): Uncertain significance (1 of 4 stars; one submission).

Submission:

Labcorp Genetics (formerly Invitae), Labcorp
Classification: Uncertain significance. Last evaluated: 2024-06-30. Review status: criteria provided, single submitter. Criteria: Invitae Variant Classification Sherloc (09022015). Collection method: clinical testing. Allele origin: germline.
Comment: This sequence change creates a premature translational stop signal (p.Pro894Leufs*8) in the GEN1 gene. While this is not anticipated to result in nonsense mediated decay, it is expected to disrupt the last 15 amino acid(s) of the GEN1 protein. This variant is not present in population databases (gnomAD no frequency). This variant has not been reported in the literature in individuals affected with GEN1-related conditions. Experimental studies and prediction algorithms are not available or were not evaluated, and the functional significance of this variant is currently unknown. In summary, the available evidence is currently insufficient to determine the role of this variant in disease. Therefore, it has been classified as a Variant of Uncertain Significance.